The following is an entry in ClinVar:

NM_001130144.3(LTBP3):c.3674G>T (p.Ser1225Ile)

Gene: LTBP3 (latent transforming growth factor beta binding protein 3; minus strand). Cytogenetic location: 11q13.1.
Variant type: single nucleotide variant.
Coding change: c.3674G>T on transcript NM_001130144.3 (MANE Select); coding-DNA position 3674, G replaced by T.
Protein change: p.Ser1225Ile; replaces serine 1225 with isoleucine.
Molecular consequence: missense variant.
Genome position (GRCh38, 1-based): chr11:65,539,414, C>A on the plus strand (G>T on the coding strand, the complement: LTBP3 is on the minus strand). VCF-style: chr11-65539414-C-A. GRCh37 (hg19) VCF-style: chr11-65306885-C-A.
Other names: c.3182G>T, p.Ser1061Ile (NM_001164266.1); c.3533G>T, p.Ser1178Ile (NM_021070.4); short protein forms S1061I, S1178I, S1225I.
Identifiers: ClinVar variation 1995472 (VCV001995472.4), dbSNP rs141017996, ClinGen allele CA381266343.
Genomic context (GRCh38, chr11:65,539,414, plus strand): 5'-AGCTGGAAGCCGCCGGGACACTCGCACACGGCGCCGCCCGGCCGCGGCACGCAGCGGCCA[C>A]TCACGCAGCGACACTCGTCTGAATCCTCCTCTGAACTGTCCTCATCTGCGTGGCCCGGAA-3'
Protein context (NP_001123616.1, residues 1215-1235): EEDSDECRCV[Ser1225Ile]GRCVPRPGGA

ClinVar aggregate classification (germline): Uncertain significance (1 of 4 stars; one submission).

Conditions:
Brachyolmia-amelogenesis imperfecta syndrome. Also called: Dental anomalies and short stature; PLATYSPONDYLY WITH AMELOGENESIS IMPERFECTA; Tooth agenesis, selective, 6. Identifiers: Orphanet 2899, MedGen C1832594, MONDO:0011018, OMIM 601216. Disease mechanism: loss of function.

Submission:

Labcorp Genetics (formerly Invitae), Labcorp
Classification: Uncertain significance for Brachyolmia-amelogenesis imperfecta syndrome. Last evaluated: 2025-08-18. Review status: criteria provided, single submitter. Criteria: Invitae Variant Classification Sherloc (09022015). Collection method: clinical testing. Allele origin: germline.
Comment: This sequence change replaces serine, which is neutral and polar, with isoleucine, which is neutral and non-polar, at codon 1225 of the LTBP3 protein (p.Ser1225Ile). This variant is not present in population databases (gnomAD no frequency). This variant has not been reported in the literature in individuals affected with LTBP3-related conditions. ClinVar contains an entry for this variant (Variation ID: 1995472). An algorithm developed to predict the effect of missense changes on protein structure and function (PolyPhen-2) suggests that this variant is likely to be tolerated. In summary, the available evidence is currently insufficient to determine the role of this variant in disease. Therefore, it has been classified as a Variant of Uncertain Significance.